The following is an entry in ClinVar:

NM_152383.5(DIS3L2):c.2504_2506del (p.Thr835del)

Gene: DIS3L2 (DIS3 like 3'-5' exoribonuclease 2; plus strand). Cytogenetic location: 2q37.1.
Variant type: Deletion.
Coding change: c.2504_2506del on transcript NM_152383.5 (MANE Select); coding-DNA positions 2504 to 2506, 3 bases deleted (CCA; older notation c.2504_2506delCCA).
Protein change: p.Thr835del; deletes threonine 835.
Molecular consequence: inframe deletion. On other transcripts: non-coding transcript variant (2), intron variant (1).
Genome position (GRCh38, 1-based): chr2:232,336,476-232,336,478, CCA deleted; deleting any 3 consecutive bases within chr2:232,336,474-232,336,478 gives the same sequence; the c. name uses the placement nearest the transcript's 3' end. VCF-style (leftmost placement, unchanged base first): chr2-232336473-TCAC-T. GRCh37 (hg19) VCF-style: chr2-233201183-TCAC-T.
Other names: c.1582-6869_1582-6867del (NM_001257281.2); short protein forms T835del.
Identifiers: ClinVar variation 4712883 (VCV004712883.1).

ClinVar aggregate classification (germline): Uncertain significance (1 of 4 stars; one submission).

Conditions:
Perlman syndrome (PRLMNS). Identifiers: Orphanet 2849, MedGen C0796113, MONDO:0009965, OMIM 267000.

Submission:

Labcorp Genetics (formerly Invitae), Labcorp
Classification: Uncertain significance for Perlman syndrome. Last evaluated: 2025-02-12. Review status: criteria provided, single submitter. Criteria: Invitae Variant Classification Sherloc (09022015). Collection method: clinical testing. Allele origin: germline.
Comment: This variant, c.2504_2506del, results in the deletion of 1 amino acid(s) of the DIS3L2 protein (p.Thr835del), but otherwise preserves the integrity of the reading frame. This variant is present in population databases (no rsID available, gnomAD 0.0009%). This variant has not been reported in the literature in individuals affected with DIS3L2-related conditions. Experimental studies and prediction algorithms are not available or were not evaluated, and the functional significance of this variant is currently unknown. In summary, the available evidence is currently insufficient to determine the role of this variant in disease. Therefore, it has been classified as a Variant of Uncertain Significance.